The following is an entry in ClinVar:

ClinVar aggregate classification (germline): Uncertain significance (1 of 4 stars; one submission).

Submission:

CeGaT Center for Human Genetics Tuebingen
Classification: Uncertain significance. Last evaluated: 2026-05-01. Review status: criteria provided, single submitter. Criteria: CeGaT Center For Human Genetics Tuebingen Variant Classification Criteria Version 2. Collection method: clinical testing. Allele origin: germline. Affected: yes. Observed: 1 variant allele.
Comment: LZTR1: PM2, PM4:Supporting

NM_006767.4(LZTR1):c.2293_2295del (p.Glu765del)

Gene: LZTR1 (leucine zipper like post translational regulator 1; plus strand). Cytogenetic location: 22q11.21.
Variant type: Deletion.
Coding change: c.2293_2295del on transcript NM_006767.4 (MANE Select); coding-DNA positions 2293 to 2295, 3 bases deleted (GAG; older notation c.2293_2295delGAG).
Protein change: p.Glu765del; deletes glutamic acid 765.
Molecular consequence: inframe deletion.
Genome position (GRCh38, 1-based): chr22:20,996,769-20,996,771, GAG deleted; deleting any 3 consecutive bases within chr22:20,996,768-20,996,771 gives the same sequence; the c. name uses the placement nearest the transcript's 3' end. VCF-style (leftmost placement, unchanged base first): chr22-20996767-TGGA-T. GRCh37 (hg19) VCF-style: chr22-21351056-TGGA-T.
Other names: short protein forms E765del.
Identifiers: ClinVar variation 4874934 (VCV004874934.2).